The following is an entry in ClinVar:

ClinVar aggregate classification (germline): Likely benign. Review status: criteria provided, multiple submitters, no conflicts (2 of 4 stars). 3 submissions from 3 submitters: Likely benign (3). Last evaluated 2026-01-19.

Conditions:
Chédiak-Higashi syndrome (CHS). Also called: Chediak-Higashi Syndrome. Identifiers: Orphanet 167, MedGen C0007965, MONDO:0008963, OMIM 214500.

Allele frequency attached by ClinVar (database versions not stated): TOPMed 0.00002; gnomAD 0.00003; ESP Exome Variant Server 0.00008; ExAC 0.00021.
gnomAD v4.1: 78 of 1,613,678 alleles (0.0048%); highest among the groups gnomAD compares: Non-Finnish European, 0.0053%; no homozygotes.

Submissions (3):

Labcorp Genetics (formerly Invitae), Labcorp
Classification: Likely benign for Chédiak-Higashi syndrome. Last evaluated: 2026-01-19. Review status: criteria provided, single submitter. Criteria: Invitae Variant Classification Sherloc (09022015). Collection method: clinical testing. Allele origin: germline.

CeGaT Center for Human Genetics Tuebingen
Classification: Likely benign. Last evaluated: 2023-03-01. Review status: criteria provided, single submitter. Criteria: CeGaT Center For Human Genetics Tuebingen Variant Classification Criteria Version 2. Collection method: clinical testing. Allele origin: germline. Affected: yes. Observed: 1 variant allele.
Comment: LYST: BP4, BP7

Blueprint Genetics
Classification: Likely benign. Last evaluated: 2022-07-05. Review status: criteria provided, single submitter. Criteria: ACMG Guidelines, 2015. Collection method: clinical testing. Allele origin: germline.

NM_000081.4(LYST):c.11355C>G (p.Arg3785=)

Gene: LYST (lysosomal trafficking regulator; minus strand). Cytogenetic location: 1q42.3.
Variant type: single nucleotide variant.
Coding change: c.11355C>G on transcript NM_000081.4 (MANE Select); coding-DNA position 11355, C replaced by G.
Protein change: p.Arg3785=; no amino-acid change (arginine 3785 retained).
Molecular consequence: synonymous variant.
Genome position (GRCh38, 1-based): chr1:235,662,991, G>C on the plus strand (C>G on the coding strand, the complement: LYST is on the minus strand). VCF-style: chr1-235662991-G-C. GRCh37 (hg19) VCF-style: chr1-235826291-G-C.
Other names: c.11355C>G, p.Arg3785= (NM_001301365.1).
Identifiers: ClinVar variation 1644773 (VCV001644773.33), dbSNP rs150849914, ClinGen allele CA1465144.